The following is an entry in ClinVar:

ClinVar aggregate classification (germline): Uncertain significance (1 of 4 stars; one submission).

Conditions:
Leber congenital amaurosis 6 (LCA6). Identifiers: Orphanet 65, MedGen C1854260, MONDO:0013446, OMIM 613826.
Cone-rod dystrophy 13 (CORD13). Identifiers: Orphanet 1872, MedGen C2750720, MONDO:0011987, OMIM 608194.

Submission:

Labcorp Genetics (formerly Invitae), Labcorp
Classification: Uncertain significance for Leber congenital amaurosis 6; Cone-rod dystrophy 13. Last evaluated: 2020-05-20. Review status: criteria provided, single submitter. Criteria: Invitae Variant Classification Sherloc (09022015). Collection method: clinical testing. Allele origin: germline.
Comment: In summary, the available evidence is currently insufficient to determine the role of this variant in disease. Therefore, it has been classified as a Variant of Uncertain Significance. Algorithms developed to predict the effect of missense changes on protein structure and function output the following: SIFT: "Tolerated"; PolyPhen-2: "Benign"; Align-GVGD: "Class C0". The histidine amino acid residue is found in multiple mammalian species, suggesting that this missense change does not adversely affect protein function. These predictions have not been confirmed by published functional studies and their clinical significance is uncertain. This variant has not been reported in the literature in individuals with RPGRIP1-related conditions. This variant is not present in population databases (ExAC no frequency). This sequence change replaces aspartic acid with histidine at codon 1051 of the RPGRIP1 protein (p.Asp1051His). The aspartic acid residue is moderately conserved and there is a moderate physicochemical difference between aspartic acid and histidine.

NM_020366.4(RPGRIP1):c.3151G>C (p.Asp1051His)

Gene: RPGRIP1 (RPGR interacting protein 1; plus strand). Cytogenetic location: 14q11.2.
Variant type: single nucleotide variant.
Coding change: c.3151G>C on transcript NM_020366.4 (MANE Select); coding-DNA position 3151, G replaced by C.
Protein change: p.Asp1051His; replaces aspartic acid 1051 with histidine.
Molecular consequence: missense variant.
Genome position (GRCh38, 1-based): chr14:21,330,300, G>C. VCF-style: chr14-21330300-G-C. GRCh37 (hg19) VCF-style: chr14-21798459-G-C.
Other names: c.1129G>C, p.Asp377His (NM_001377523.1); c.2077G>C, p.Asp693His (NM_001377948.1); c.1237G>C, p.Asp413His (NM_001377949.1); c.1126G>C, p.Asp376His (NM_001377950.1); c.631G>C, p.Asp211His (NM_001377951.1); short protein forms D211H, D377H, D413H, D693H, D1051H, D376H.
Identifiers: ClinVar variation 1041481 (VCV001041481.8), dbSNP rs1883602777, ClinGen allele CA388872185.
Genomic context (GRCh38, chr14:21,330,300, plus strand): 5'-ATTCTGAAGCAGGTGAATTACACTGAGTGGAAGTTCTCAGAGACTAACAGCTTCATAGGT[G>C]ATGGCTTTAAAAATCAGCACGAGGAAGAGGAAATGACATTATCCCATTCAGCACTGAAAC-3'
Protein context (NP_065099.3, residues 1041-1061): KFSETNSFIG[Asp1051His]GFKNQHEEEE